The following is an entry in ClinVar:

ClinVar aggregate classification (germline): Uncertain significance (1 of 4 stars; one submission).

gnomAD v4.1: 8 of 1,614,136 alleles (0.0005%); highest among the groups gnomAD compares: African/African-American, 0.0013%; no homozygotes.

Submission:

Labcorp Genetics (formerly Invitae), Labcorp
Classification: Uncertain significance. Last evaluated: 2024-03-04. Review status: criteria provided, single submitter. Criteria: Invitae Variant Classification Sherloc (09022015). Collection method: clinical testing. Allele origin: germline.
Comment: This sequence change replaces alanine, which is neutral and non-polar, with valine, which is neutral and non-polar, at codon 673 of the FAT4 protein (p.Ala673Val). This variant is present in population databases (no rsID available, gnomAD 0.007%). This variant has not been reported in the literature in individuals affected with FAT4-related conditions. Advanced modeling of protein sequence and biophysical properties (such as structural, functional, and spatial information, amino acid conservation, physicochemical variation, residue mobility, and thermodynamic stability) performed at Invitae indicates that this missense variant is not expected to disrupt FAT4 protein function with a negative predictive value of 80%. In summary, the available evidence is currently insufficient to determine the role of this variant in disease. Therefore, it has been classified as a Variant of Uncertain Significance.

NM_001291303.3(FAT4):c.2018C>T (p.Ala673Val)

Gene: FAT4 (FAT atypical cadherin 4; plus strand). Cytogenetic location: 4q28.1.
Variant type: single nucleotide variant.
Coding change: c.2018C>T on transcript NM_001291303.3 (MANE Select); coding-DNA position 2018, C replaced by T.
Protein change: p.Ala673Val; replaces alanine 673 with valine.
Molecular consequence: missense variant.
Genome position (GRCh38, 1-based): chr4:125,318,429, C>T. VCF-style: chr4-125318429-C-T. GRCh37 (hg19) VCF-style: chr4-126239584-C-T.
Other names: c.2018C>T, p.Ala673Val (NM_001291285.3, NM_024582.6); short protein forms A673V.
Identifiers: ClinVar variation 3644523 (VCV003644523.2).